The following is an entry in ClinVar:

NM_006258.4(PRKG1):c.1450G>C (p.Val484Leu)

Gene: PRKG1 (protein kinase cGMP-dependent 1; plus strand). Cytogenetic location: 10q21.1.
Variant type: single nucleotide variant.
Coding change: c.1450G>C on transcript NM_006258.4 (MANE Select); coding-DNA position 1450, G replaced by C.
Protein change: p.Val484Leu; replaces valine 484 with leucine.
Molecular consequence: missense variant.
Genome position (GRCh38, 1-based): chr10:52,280,835, G>C. VCF-style: chr10-52280835-G-C. GRCh37 (hg19) VCF-style: chr10-54040595-G-C.
Other names: c.1405G>C, p.Val469Leu (NM_001098512.3); c.241G>C, p.Val81Leu (NM_001374781.1); short protein forms V469L, V484L, V81L.
Identifiers: ClinVar variation 2565417 (VCV002565417.4), dbSNP rs781293867, ClinGen allele CA5503864.

ClinVar aggregate classification (germline): Uncertain significance. Review status: criteria provided, multiple submitters, no conflicts (2 of 4 stars). 2 submissions from 2 submitters: Uncertain significance (2). Last evaluated 2025-07-23.

Conditions:
Aortic aneurysm, familial thoracic 8 (AAT8). Identifiers: MedGen C3809513, MONDO:0014187, OMIM 615436.
Familial thoracic aortic aneurysm and aortic dissection (TAAD). Also called: Thoracic aortic aneurysms and dissections. Identifiers: Orphanet 91387, MedGen C4707243, MONDO:0019625.

Allele frequency attached by ClinVar (database versions not stated): TOPMed below 0.00001; gnomAD 0.00003; gnomAD exomes 0.00003; ExAC 0.00004.
gnomAD v4.1: 43 of 1,612,878 alleles (0.0027%); highest among the groups gnomAD compares: South Asian, 0.046%; 1 homozygote.

Submissions (2):

Labcorp Genetics (formerly Invitae), Labcorp
Classification: Uncertain significance for Aortic aneurysm, familial thoracic 8. Last evaluated: 2025-07-23. Review status: criteria provided, single submitter. Criteria: Invitae Variant Classification Sherloc (09022015). Collection method: clinical testing. Allele origin: germline.
Comment: This sequence change replaces valine, which is neutral and non-polar, with leucine, which is neutral and non-polar, at codon 484 of the PRKG1 protein (p.Val484Leu). This variant is present in population databases (rs781293867, gnomAD 0.04%). This variant has not been reported in the literature in individuals affected with PRKG1-related conditions. ClinVar contains an entry for this variant (Variation ID: 2565417). An algorithm developed to predict the effect of missense changes on protein structure and function (PolyPhen-2) suggests that this variant is likely to be tolerated. In summary, the available evidence is currently insufficient to determine the role of this variant in disease. Therefore, it has been classified as a Variant of Uncertain Significance.

Ambry Genetics
Classification: Uncertain significance for Familial thoracic aortic aneurysm and aortic dissection. Last evaluated: 2023-04-09. Review status: criteria provided, single submitter. Criteria: Ambry Variant Classification Scheme 2023. Collection method: clinical testing. Allele origin: germline.
Comment: The p.V484L variant (also known as c.1450G>C), located in coding exon 13 of the PRKG1 gene, results from a G to C substitution at nucleotide position 1450. The valine at codon 484 is replaced by leucine, an amino acid with highly similar properties. This amino acid position is conserved. In addition, the in silico prediction for this alteration is inconclusive. Since supporting evidence is limited at this time, the clinical significance of this alteration remains unclear.